The following is an entry in ClinVar:

NM_003024.3(ITSN1):c.1300C>T (p.Arg434Ter)

Gene: ITSN1 (intersectin 1; plus strand). Cytogenetic location: 21q22.11.
Variant type: single nucleotide variant.
Coding change: c.1300C>T on transcript NM_003024.3 (MANE Select); coding-DNA position 1300, C replaced by T.
Protein change: p.Arg434Ter; replaces arginine 434 with a stop codon.
Molecular consequence: nonsense.
Genome position (GRCh38, 1-based): chr21:33,772,318, C>T. VCF-style: chr21-33772318-C-T. GRCh37 (hg19) VCF-style: chr21-35144622-C-T.
Other names: c.1300C>T, p.Arg434Ter (NM_001001132.2, NM_001331008.2, NM_001331009.2 and 2 more transcripts); c.1189C>T, p.Arg397Ter (NM_001331012.2); short protein forms R397*, R434*.
Identifiers: ClinVar variation 4858537 (VCV004858537.2).

ClinVar aggregate classification (germline): Uncertain significance (1 of 4 stars; one submission).

Conditions:
Inborn genetic diseases. Identifiers: MedGen C0950123, MeSH D030342.

Submission:

Ambry Genetics
Classification: Uncertain significance for Inborn genetic diseases. Last evaluated: 2026-09-10. Review status: criteria provided, single submitter. Criteria: Ambry Variant Classification Scheme 2023. Collection method: clinical testing. Allele origin: germline.
Comment: The c.1300C>T (p.R434*) alteration, located in exon 12 (coding exon 11) of the ITSN1 gene, consists of a C to T substitution at nucleotide position 1300. This changes the amino acid from an arginine (R) to a stop codon at amino acid position 434. This variant is expected to result in loss of function by premature protein truncation or nonsense-mediated mRNA decay. However, loss of function of ITSN1 has not been established as a mechanism of disease. This variant was not reported in population-based cohorts in the Genome Aggregation Database (gnomAD). Based on insufficient or conflicting evidence, the clinical significance of this alteration remains unclear.

Literature cited by the submitters: PubMed 35982159.